The following is an entry in ClinVar:

NM_138477.4(CDAN1):c.2678C>T (p.Ala893Val)

Gene: CDAN1 (codanin 1; minus strand). Cytogenetic location: 15q15.2.
Variant type: single nucleotide variant.
Coding change: c.2678C>T on transcript NM_138477.4 (MANE Select); coding-DNA position 2678, C replaced by T.
Protein change: p.Ala893Val; replaces alanine 893 with valine.
Molecular consequence: missense variant.
Genome position (GRCh38, 1-based): chr15:42,728,778, G>A on the plus strand (C>T on the coding strand, the complement: CDAN1 is on the minus strand). VCF-style: chr15-42728778-G-A. GRCh37 (hg19) VCF-style: chr15-43020976-G-A.
Other names: short protein forms A893V.
Identifiers: ClinVar variation 2959692 (VCV002959692.3), dbSNP rs557295691, ClinGen allele CA269902671.
Genomic context (GRCh38, chr15:42,728,778, plus strand): 5'-TGGGCTGGGTCTCCCCCTTCCTCTCCCTGTGTCACCAGCTGCTCTTGGAGAAGTGACTCT[G>A]CCTGGCGCACCAGATCTGCCACCAGTGTAGCCCTGCAGCAGGGACAGCAAGGTTGGGGAT-3'
Protein context (NP_612486.2, residues 883-903): ATLVADLVRQ[Ala893Val]ESLLQEQLVT

ClinVar aggregate classification (germline): Uncertain significance (1 of 4 stars; one submission).

Submission:

Labcorp Genetics (formerly Invitae), Labcorp
Classification: Uncertain significance. Last evaluated: 2023-05-29. Review status: criteria provided, single submitter. Criteria: Invitae Variant Classification Sherloc (09022015). Collection method: clinical testing. Allele origin: germline.
Comment: An algorithm developed to predict the effect of missense changes on protein structure and function (PolyPhen-2) suggests that this variant is likely to be disruptive. Algorithms developed to predict the effect of sequence changes on RNA splicing suggest that this variant may create or strengthen a splice site. In summary, the available evidence is currently insufficient to determine the role of this variant in disease. Therefore, it has been classified as a Variant of Uncertain Significance. This variant has not been reported in the literature in individuals affected with CDAN1-related conditions. This sequence change replaces alanine, which is neutral and non-polar, with valine, which is neutral and non-polar, at codon 893 of the CDAN1 protein (p.Ala893Val). This variant is not present in population databases (gnomAD no frequency).